The following is an entry in ClinVar:

NM_001267550.2(TTN):c.59802del (p.Ser19935fs)

Genes: TTN-AS1 (TTN antisense RNA 1; plus strand), TTN (titin; minus strand), LOC126806424 (CDK7 strongly-dependent group 2 enhancer GRCh37_chr2:179456337-179457536; plus strand). Cytogenetic location: 2q31.2.
Variant type: Deletion.
Coding change: c.59802del on transcript NM_001267550.2 (MANE Select); coding-DNA position 59802, one base deleted (G; older notation c.59802delG).
Protein change: p.Ser19935fs; shifts the reading frame from serine 19935.
Molecular consequence: frameshift variant.
Genome position (GRCh38, 1-based): chr2:178,592,102, C deleted on the plus strand (G on the coding strand, the reverse complement: TTN is on the minus strand). VCF-style (leftmost placement, unchanged base first): chr2-178592101-TC-T. GRCh37 (hg19) VCF-style: chr2-179456828-TC-T.
Other names: c.54879del, p.Ser18294fs (NM_001256850.1); c.32607del, p.Ser10870fs (NM_003319.4); c.52098del, p.Ser17367fs (NM_133378.4); c.32982del, p.Ser10995fs (NM_133432.3); c.33183del, p.Ser11062fs (NM_133437.4); short protein forms S10995fs, S19935fs, S18294fs, S10870fs, S11062fs, S17367fs.
Identifiers: ClinVar variation 2948038 (VCV002948038.3), dbSNP rs2469511875, ClinGen allele CA2740096107.

ClinVar aggregate classification (germline): Likely pathogenic (1 of 4 stars; one submission).

Conditions:
Dilated cardiomyopathy 1G (CMD1G). Identifiers: Orphanet 154, MedGen C1858763, MONDO:0011400, OMIM 604145.
Autosomal recessive limb-girdle muscular dystrophy type 2J (LGMDR10). Also called: Limb-girdle muscular dystrophy, type 2J; MUSCULAR DYSTROPHY, LIMB-GIRDLE, AUTOSOMAL RECESSIVE 10. Identifiers: Orphanet 140922, MedGen C1837342, MONDO:0012127, OMIM 608807.

Submission:

Labcorp Genetics (formerly Invitae), Labcorp
Classification: Likely pathogenic for Dilated cardiomyopathy 1G; Autosomal recessive limb-girdle muscular dystrophy type 2J. Last evaluated: 2023-05-21. Review status: criteria provided, single submitter. Criteria: Invitae Variant Classification Sherloc (09022015). Collection method: clinical testing. Allele origin: germline.
Comment: In summary, the currently available evidence indicates that the variant is pathogenic, but additional data are needed to prove that conclusively. Therefore, this variant has been classified as Likely Pathogenic. This variant is located in the A band of TTN (PMID: 25589632). Truncating variants in this region are significantly overrepresented in patients affected with dilated cardiomyopathy (PMID: 25589632). Truncating variants in this region have also been reported in individuals affected with autosomal recessive centronuclear myopathy (PMID: 23975875). This variant has not been reported in the literature in individuals affected with TTN-related conditions. This variant is not present in population databases (gnomAD no frequency). This sequence change creates a premature translational stop signal (p.Ser19935Valfs*7) in the TTN gene. While this is not anticipated to result in nonsense mediated decay, it is expected to create a truncated TTN protein.

Literature cited by the submitters: PubMed 25589632; PubMed 23975875.